The following is an entry in ClinVar:

ClinVar aggregate classification (germline): Uncertain significance (1 of 4 stars; one submission).

Conditions:
Early-infantile DEE. Also called: Early infantile epileptic encephalopathy with suppression bursts; Early infantile epileptic encephalopathy; Ohtahara syndrome. Identifiers: Orphanet 1934, MedGen C0393706, MONDO:0800491.

gnomAD v4.1: 8 of 1,614,156 alleles (0.0005%); highest among the groups gnomAD compares: African/African-American, 0.0013%; no homozygotes.

Submission:

Labcorp Genetics (formerly Invitae), Labcorp
Classification: Uncertain significance for Early-infantile DEE. Last evaluated: 2024-04-10. Review status: criteria provided, single submitter. Criteria: Invitae Variant Classification Sherloc (09022015). Collection method: clinical testing. Allele origin: germline.
Comment: This sequence change replaces arginine, which is basic and polar, with glutamine, which is neutral and polar, at codon 1813 of the SPTAN1 protein (p.Arg1813Gln). This variant is present in population databases (rs760865353, gnomAD 0.007%). This variant has not been reported in the literature in individuals affected with SPTAN1-related conditions. Advanced modeling of protein sequence and biophysical properties (such as structural, functional, and spatial information, amino acid conservation, physicochemical variation, residue mobility, and thermodynamic stability) has been performed at Invitae for this missense variant, however the output from this modeling did not meet the statistical confidence thresholds required to predict the impact of this variant on SPTAN1 protein function. In summary, the available evidence is currently insufficient to determine the role of this variant in disease. Therefore, it has been classified as a Variant of Uncertain Significance.

NM_001130438.3(SPTAN1):c.5438G>A (p.Arg1813Gln)

Gene: SPTAN1 (spectrin alpha, non-erythrocytic 1; plus strand). Cytogenetic location: 9q34.11.
Variant type: single nucleotide variant.
Coding change: c.5438G>A on transcript NM_001130438.3 (MANE Select); coding-DNA position 5438, G replaced by A.
Protein change: p.Arg1813Gln; replaces arginine 1813 with glutamine.
Molecular consequence: missense variant.
Genome position (GRCh38, 1-based): chr9:128,617,720, G>A. VCF-style: chr9-128617720-G-A. GRCh37 (hg19) VCF-style: chr9-131379999-G-A.
Other names: c.5363G>A, p.Arg1788Gln (NM_001195532.2); c.5438G>A, p.Arg1813Gln (NM_001363759.2, NM_001375310.1, NM_001375311.2 and 1 more transcripts); c.5378G>A, p.Arg1793Gln (NM_001363765.2, NM_001375314.2); c.5474G>A, p.Arg1825Gln (NM_001375312.2, NM_001375318.1); c.5423G>A, p.Arg1808Gln (NM_003127.4); short protein forms R1788Q, R1793Q, R1808Q, R1813Q, R1825Q.
Identifiers: ClinVar variation 3628676 (VCV003628676.2).